The following is an entry in ClinVar:

ClinVar aggregate classification (germline): Likely benign. Review status: criteria provided, multiple submitters, no conflicts (2 of 4 stars). 5 submissions from 5 submitters: Likely benign (5). Last evaluated 2026-01-15.

Conditions:
KIF1A-related disorder. Also called: KIF1A-related disorders; KIF1A-related condition.
Intellectual disability, autosomal dominant 9 (NESCAVS). Also called: KIF1A-Related Neurodevelopmental Disorder; NESCAV SYNDROME. Identifiers: Orphanet 662367, MedGen C5393830, MONDO:0013656, OMIM 614255.
Neuropathy, hereditary sensory, type 2C. Also called: KIF1A-Related HSAN2 (HSAN2C); Hereditary sensory and autonomic neuropathy type IIC. Identifiers: Orphanet 970, MedGen C3280168, MONDO:0013634, OMIM 614213.
Hereditary spastic paraplegia 30. Identifiers: Orphanet 101010, MedGen C5235139, MONDO:0012476.
Inborn genetic diseases. Identifiers: MedGen C0950123, MeSH D030342.

Allele frequency attached by ClinVar (database versions not stated): 1000 Genomes Project 30x 0.00031; 1000 Genomes Project 0.00040; gnomAD 0.00006 and 0.00008; TOPMed 0.00008; gnomAD exomes 0.00010 and 0.00013; ExAC 0.00014.
gnomAD v4.1: 162 of 1,613,024 alleles (0.01%); highest among the groups gnomAD compares: East Asian, 0.1%; 1 homozygote.

Submissions (5):

PreventionGenetics, part of Exact Sciences
Classification: Likely benign for KIF1A-related condition. Last evaluated: 2026-01-15. Review status: criteria provided, single submitter. Criteria: ACMG Guidelines, 2015. Collection method: clinical testing. Allele origin: germline.
Comment: This variant is classified as likely benign based on ACMG/AMP sequence variant interpretation guidelines (Richards et al. 2015 PMID: 25741868, with internal and published modifications).

Labcorp Genetics (formerly Invitae), Labcorp
Classification: Likely benign for Hereditary spastic paraplegia 30; Neuropathy, hereditary sensory, type 2C; Intellectual disability, autosomal dominant 9. Last evaluated: 2025-11-10. Review status: criteria provided, single submitter. Criteria: Invitae Variant Classification Sherloc (09022015). Collection method: clinical testing. Allele origin: germline.

Blueprint Genetics
Classification: Likely benign. Last evaluated: 2024-10-24. Review status: criteria provided, single submitter. Criteria: ACMG Guidelines, 2015. Collection method: clinical testing. Allele origin: germline.

GeneDx
Classification: Likely benign. Last evaluated: 2019-09-30. Review status: criteria provided, single submitter. Criteria: GeneDx Variant Classification Process June 2021. Collection method: clinical testing. Allele origin: germline. Affected: yes.

Ambry Genetics
Classification: Likely benign for Inborn genetic diseases. Last evaluated: 2018-09-19. Review status: criteria provided, single submitter. Criteria: Ambry Variant Classification Scheme 2023. Collection method: clinical testing. Allele origin: germline.

NM_001244008.2(KIF1A):c.2865C>T (p.Phe955=)

Gene: KIF1A (kinesin family member 1A; minus strand). Cytogenetic location: 2q37.3.
Variant type: single nucleotide variant.
Coding change: c.2865C>T on transcript NM_001244008.2 (MANE Select); coding-DNA position 2865, C replaced by T.
Protein change: p.Phe955=; no amino-acid change (phenylalanine 955 retained).
Molecular consequence: synonymous variant.
Genome position (GRCh38, 1-based): chr2:240,750,541, G>A on the plus strand (C>T on the coding strand, the complement: KIF1A is on the minus strand). VCF-style: chr2-240750541-G-A. GRCh37 (hg19) VCF-style: chr2-241689958-G-A.
Other names: c.2589C>T, p.Phe863= (NM_001320705.2, NM_001330289.2, NM_001379638.1); c.2664C>T, p.Phe888= (NM_001330290.2, NM_001379634.1, NM_001379635.1 and 1 more transcripts); c.2940C>T, p.Phe980= (NM_001379631.1); c.2814C>T, p.Phe938= (NM_001379632.1); c.2838C>T, p.Phe946= (NM_001379633.1, NM_001379642.1, NM_001379645.1); c.2562C>T, p.Phe854= (NM_001379636.1, NM_001379639.1, NM_001379640.1 and 6 more transcripts); c.2637C>T, p.Phe879= (NM_001379637.1, NM_001379648.1); c.2865C>T (NM_001244008.1).
Identifiers: ClinVar variation 706809 (VCV000706809.17), dbSNP rs190534883, ClinGen allele CA2207995.